The following is an entry in ClinVar:

ClinVar aggregate classification (germline): Uncertain significance (1 of 4 stars; one submission).

Conditions:
Hereditary cancer-predisposing syndrome. Also called: Neoplastic Syndromes, Hereditary; Tumor predisposition; Hereditary neoplastic syndrome; Hereditary Cancer Syndrome. Identifiers: Orphanet 140162, MedGen C0027672, MeSH D009386, MONDO:0015356.

gnomAD v4.1: 1 of 1,606,552 alleles (0.000062%); no homozygotes.

Submission:

Ambry Genetics
Classification: Uncertain significance for Hereditary cancer-predisposing syndrome. Last evaluated: 2025-06-26. Review status: criteria provided, single submitter. Criteria: Ambry Variant Classification Scheme 2023. Collection method: clinical testing. Allele origin: germline.
Comment: The p.A19T variant (also known as c.55G>A), located in coding exon 1 of the CDKN2A gene, results from a G to A substitution at nucleotide position 55. The alanine at codon 19 is replaced by threonine, an amino acid with similar properties. This amino acid position is highly conserved in available vertebrate species. In addition, this alteration is predicted to be deleterious by in silico analysis. Based on the available evidence, the clinical significance of this variant remains unclear.

NM_000077.5(CDKN2A):c.55G>A (p.Ala19Thr)

Gene: CDKN2A (cyclin dependent kinase inhibitor 2A; minus strand). Cytogenetic location: 9p21.3.
Variant type: single nucleotide variant.
Coding change: c.55G>A on transcript NM_000077.5; coding-DNA position 55, G replaced by A.
Protein change: p.Ala19Thr; replaces alanine 19 with threonine.
Molecular consequence: missense variant (on NM_000077.6). On other transcripts: intron variant (2).
Genome position (GRCh38, 1-based): chr9:21,974,773, C>T on the plus strand (G>A on the coding strand, the complement: CDKN2A is on the minus strand). VCF-style: chr9-21974773-C-T. GRCh37 (hg19) VCF-style: chr9-21974772-C-T.
Other names: c.55G>A, p.Ala19Thr (NM_000077.6, NM_001195132.2, NM_058197.5); c.-3-3565G>A (NM_001363763.2); c.194-3565G>A (NM_058195.4); short protein forms A19T.
Identifiers: ClinVar variation 4224776 (VCV004224776.1).